The following is an entry in ClinVar:

ClinVar aggregate classification (germline): Benign (1 of 4 stars; one submission).

Allele frequency attached by ClinVar (database versions not stated): 1000 Genomes Project 30x 0.00094; 1000 Genomes Project 0.00100; ESP Exome Variant Server 0.00215; TOPMed 0.00224; gnomAD 0.00270; gnomAD exomes 0.00303; ExAC 0.00395.
gnomAD v4.1: 4,829 of 1,613,434 alleles (0.3%); highest among the groups gnomAD compares: Non-Finnish European, 0.33%; 11 homozygotes.

Submission:

CeGaT Center for Human Genetics Tuebingen
Classification: Benign. Last evaluated: 2026-04-01. Review status: criteria provided, single submitter. Criteria: CeGaT Center For Human Genetics Tuebingen Variant Classification Criteria Version 2. Collection method: clinical testing. Allele origin: germline. Affected: yes. Observed: 3 variant alleles.
Comment: ZMIZ1: BS1, BS2

NM_020338.4(ZMIZ1):c.-7G>A

Gene: ZMIZ1 (zinc finger MIZ-type containing 1; plus strand). Cytogenetic location: 10q22.3.
Variant type: single nucleotide variant.
Coding change: c.-7G>A on transcript NM_020338.4 (MANE Select); 7 bases upstream of the start codon, G replaced by A.
Molecular consequence: 5 prime UTR variant.
Genome position (GRCh38, 1-based): chr10:79,201,626, G>A. VCF-style: chr10-79201626-G-A. GRCh37 (hg19) VCF-style: chr10-80961383-G-A.
Identifiers: ClinVar variation 2640629 (VCV002640629.24), dbSNP rs190817159, ClinGen allele CA5572150.